The following is an entry in ClinVar:

NM_001346754.2(PIGW):c.799G>A (p.Gly267Ser)

Genes: MYO19 (myosin XIX; minus strand), PIGW (phosphatidylinositol glycan anchor biosynthesis class W; plus strand). Cytogenetic location: 17q12.
Variant type: single nucleotide variant.
Coding change: c.799G>A on transcript NM_001346754.2 (MANE Select); coding-DNA position 799, G replaced by A.
Protein change: p.Gly267Ser; replaces glycine 267 with serine.
Molecular consequence: missense variant.
Genome position (GRCh38, 1-based): chr17:36,537,900, G>A. VCF-style: chr17-36537900-G-A. GRCh37 (hg19) VCF-style: chr17-34893749-G-A.
Other names: c.799G>A, p.Gly267Ser (NM_001346755.2, NM_178517.5); short protein forms G267S.
Identifiers: ClinVar variation 1511915 (VCV001511915.5), dbSNP rs765071059, ClinGen allele CA290116275.
Genomic context (GRCh38, chr17:36,537,900, plus strand): 5'-TTGATAACACCACTGCTGTTGATTATTTTTCCCCTAAATAAGTCCTGGATTATTGCCCTC[G>A]GCATTACTGTATTATACCAGCTAGCCCTTGACTTTACCTCACTGAAGAGGTTAATATTAT-3'
Protein context (NP_001333683.1, residues 257-277): PLNKSWIIAL[Gly267Ser]ITVLYQLALD

ClinVar aggregate classification (germline): Uncertain significance (1 of 4 stars; one submission).

Conditions:
Hyperphosphatasia with intellectual disability syndrome 5 (GPIBD11). Also called: GLYCOSYLPHOSPHATIDYLINOSITOL BIOSYNTHESIS DEFECT 11. Identifiers: Orphanet 247262, MedGen C4014958, MONDO:0014457, OMIM 616025.

Allele frequency attached by ClinVar (database versions not stated): ExAC 0.00001; gnomAD exomes 0.00001.
gnomAD v4.1: 19 of 1,613,892 alleles (0.0012%); highest among the groups gnomAD compares: East Asian, 0.0067%; no homozygotes.

Submission:

Labcorp Genetics (formerly Invitae), Labcorp
Classification: Uncertain significance for Hyperphosphatasia with intellectual disability syndrome 5. Last evaluated: 2022-07-29. Review status: criteria provided, single submitter. Criteria: Invitae Variant Classification Sherloc (09022015). Collection method: clinical testing. Allele origin: germline.
Comment: This sequence change replaces glycine, which is neutral and non-polar, with serine, which is neutral and polar, at codon 267 of the PIGW protein (p.Gly267Ser). This variant is present in population databases (rs765071059, gnomAD 0.002%). This variant has not been reported in the literature in individuals affected with PIGW-related conditions. ClinVar contains an entry for this variant (Variation ID: 1511915). Algorithms developed to predict the effect of missense changes on protein structure and function output the following: SIFT: "Tolerated"; PolyPhen-2: "Benign"; Align-GVGD: "Class C0". The serine amino acid residue is found in multiple mammalian species, which suggests that this missense change does not adversely affect protein function. Algorithms developed to predict the effect of sequence changes on RNA splicing suggest that this variant may create or strengthen a splice site. In summary, the available evidence is currently insufficient to determine the role of this variant in disease. Therefore, it has been classified as a Variant of Uncertain Significance.